The following is an entry in ClinVar:

ClinVar aggregate classification (germline): Uncertain significance (1 of 4 stars; one submission).

Submission:

Labcorp Genetics (formerly Invitae), Labcorp
Classification: Uncertain significance. Last evaluated: 2025-11-22. Review status: criteria provided, single submitter. Criteria: Invitae Variant Classification Sherloc (09022015). Collection method: clinical testing. Allele origin: germline.
Comment: This sequence change replaces arginine, which is basic and polar, with tryptophan, which is neutral and slightly polar, at codon 496 of the TGFBI protein (p.Arg496Trp). This variant is present in population databases (rs10057190, gnomAD 0.02%). This missense change has been observed in individual(s) with corneal dystrophy (PMID: 20974628). ClinVar contains an entry for this variant (Variation ID: 2075202). Invitae Evidence Modeling of protein sequence and biophysical properties (such as structural, functional, and spatial information, amino acid conservation, physicochemical variation, residue mobility, and thermodynamic stability) indicates that this missense variant is not expected to disrupt TGFBI protein function with a negative predictive value of 80%. In summary, the available evidence is currently insufficient to determine the role of this variant in disease. Therefore, it has been classified as a Variant of Uncertain Significance.

Literature cited by the submitters: PubMed 20974628.

NM_000358.3(TGFBI):c.1486C>T (p.Arg496Trp)

Gene: TGFBI (transforming growth factor beta induced; plus strand). Cytogenetic location: 5q31.1.
Variant type: single nucleotide variant.
Coding change: c.1486C>T on transcript NM_000358.3 (MANE Select); coding-DNA position 1486, C replaced by T.
Protein change: p.Arg496Trp; replaces arginine 496 with tryptophan.
Molecular consequence: missense variant.
Genome position (GRCh38, 1-based): chr5:136,055,755, C>T. VCF-style: chr5-136055755-C-T. GRCh37 (hg19) VCF-style: chr5-135391444-C-T.
Other names: short protein forms R496W.
Identifiers: ClinVar variation 2075202 (VCV002075202.4), dbSNP rs10057190, ClinGen allele CA3420419.